The following is an entry in ClinVar:

ClinVar aggregate classification (germline): Uncertain significance (1 of 4 stars; one submission).

Conditions:
Cardiovascular phenotype. Identifiers: MedGen CN230736.

Submission:

Ambry Genetics
Classification: Uncertain significance for Cardiovascular phenotype. Last evaluated: 2024-10-27. Review status: criteria provided, single submitter. Criteria: Ambry Variant Classification Scheme 2023. Collection method: clinical testing. Allele origin: germline.
Comment: The p.K954R variant (also known as c.2861A>G), located in coding exon 20 of the MYH6 gene, results from an A to G substitution at nucleotide position 2861. The lysine at codon 954 is replaced by arginine, an amino acid with highly similar properties. This amino acid position is conserved. In addition, this alteration is predicted to be tolerated by in silico analysis. Based on the available evidence, the clinical significance of this variant remains unclear.

NM_002471.4(MYH6):c.2861A>G (p.Lys954Arg)

Gene: MYH6 (myosin heavy chain 6; minus strand). Cytogenetic location: 14q11.2.
Variant type: single nucleotide variant.
Coding change: c.2861A>G on transcript NM_002471.4 (MANE Select); coding-DNA position 2861, A replaced by G.
Protein change: p.Lys954Arg; replaces lysine 954 with arginine.
Molecular consequence: missense variant.
Genome position (GRCh38, 1-based): chr14:23,393,733, T>C on the plus strand (A>G on the coding strand, the complement: MYH6 is on the minus strand). VCF-style: chr14-23393733-T-C. GRCh37 (hg19) VCF-style: chr14-23862942-T-C.
Other names: short protein forms K954R.
Identifiers: ClinVar variation 3400885 (VCV003400885.1).